The following is an entry in ClinVar:

NM_001323289.2(CDKL5):c.2243A>G (p.Asn748Ser)

Gene: CDKL5 (cyclin dependent kinase like 5; plus strand). Cytogenetic location: Xp22.13.
Variant type: single nucleotide variant.
Coding change: c.2243A>G on transcript NM_001323289.2 (MANE Select); coding-DNA position 2243, A replaced by G.
Protein change: p.Asn748Ser; replaces asparagine 748 with serine.
Molecular consequence: missense variant.
Genome position (GRCh38, 1-based): chrX:18,613,242, A>G. VCF-style: chrX-18613242-A-G. GRCh37 (hg19) VCF-style: chrX-18631362-A-G.
Other names: NM_001323289.2(CDKL5):c.2243A>G; p.Asn748Ser; c.2243A>G, p.Asn748Ser (NM_001037343.2, NM_003159.3); short protein forms N748S.
Identifiers: ClinVar variation 194499 (VCV000194499.20), dbSNP rs748459878, ClinGen allele CA240506.

ClinVar aggregate classification (germline): Benign. Review status: reviewed by expert panel (3 of 4 stars). 7 submissions from 7 submitters: Benign (1). 6 of the submissions do not count toward it. Last evaluated 2023-02-20.

Conditions:
CDKL5 disorder. Identifiers: MedGen CN296942, MONDO:0100039.
Angelman syndrome-like. Identifiers: MedGen CN128785.
Developmental and epileptic encephalopathy, 2 (DEE2). Also called: CDKL5 deficiency disorder; INFANTILE SPASM SYNDROME, X-LINKED 2. Identifiers: Orphanet 1934, Orphanet 3451, Orphanet 505652, MedGen C4750718, MONDO:0010396, OMIM 300672.
Intellectual disability. Also called: intellectual disabilities; Intellectual developmental disorder; Intellectual functioning disability. Identifiers: MedGen C3714756, MeSH D008607, MONDO:0001071, HP:0001249.

Allele frequency attached by ClinVar (database versions not stated): TOPMed 0.00004; gnomAD 0.00005; gnomAD exomes 0.00005; ExAC 0.00007; 1000 Genomes Project 30x 0.00021; 1000 Genomes Project 0.00026.
gnomAD v4.1: 58 of 1,202,981 alleles (0.0048%); highest among the groups gnomAD compares: African/African-American, 0.018%; no homozygotes.

Submissions (7):

ClinGen Rett and Angelman-like Disorders Variant Curation Expert Panel
Classification: Benign for CDKL5 disorder. Last evaluated: 2023-02-20. Review status: reviewed by expert panel. Criteria: ClinGen RettAS ACMG Specifications V2. Collection method: curation. Allele origin: germline. Inheritance: X-linked inheritance.
Comment: The allele frequency of the p.Asn748Ser variant in CDKL5 is 0.03683% in African/African American sub population in gnomAD, which is high enough to be classified as benign based on thresholds defined by the ClinGen Rett/Angelman-like Expert Panel for Rett/AS-like conditions (BA1). The p.Asn748Ser variant is observed in at least 1 unaffected individual (PMID: 29264392) (BS2_supporting). In summary, the p.Asn748Ser variant in CDKL5 is classified as Benign based on the ACMG/AMP criteria (BA1, BA2_supporting).

Labcorp Genetics (formerly Invitae), Labcorp
Classification: Benign for Developmental and epileptic encephalopathy, 2; Angelman syndrome-like. Last evaluated: 2025-08-20. Review status: criteria provided, single submitter. Criteria: Invitae Variant Classification Sherloc (09022015). Collection method: clinical testing. Allele origin: germline. Not counted in ClinVar's aggregate classification.

Blueprint Genetics
Classification: Likely benign. Last evaluated: 2024-03-04. Review status: criteria provided, single submitter. Criteria: ACMG Guidelines, 2015. Collection method: clinical testing. Allele origin: germline. Not counted in ClinVar's aggregate classification.

GeneDx
Classification: Likely benign. Last evaluated: 2020-12-09. Review status: criteria provided, single submitter. Criteria: GeneDx Variant Classification Process June 2021. Collection method: clinical testing. Allele origin: germline. Affected: yes. Not counted in ClinVar's aggregate classification.
Comment: Missense variant in a gene in which most reported pathogenic variants are truncating/loss-of-function; In silico analysis supports that this missense variant does not alter protein structure/function; This variant is associated with the following publications: (PMID: 29264392)

Cambridge Genomics Laboratory, East Genomic Laboratory Hub, NHS Genomic Medicine Service
Classification: Likely benign for Intellectual disability. Last evaluated: 2019-10-24. Review status: criteria provided, single submitter. Criteria: ACGS Best Practice Guidelines for Variant Classification in Rare Disease 2020. Collection method: clinical testing. Allele origin: germline. Affected: yes. Observed: 1 variant allele. Not counted in ClinVar's aggregate classification.

Fulgent Genetics
Classification: Uncertain significance for Developmental and epileptic encephalopathy, 2. Last evaluated: 2018-10-31. Review status: criteria provided, single submitter. Criteria: ACMG Guidelines, 2015. Collection method: clinical testing. Allele origin: unknown. Not counted in ClinVar's aggregate classification.

Eurofins Ntd Llc (ga)
Classification: Uncertain significance. Last evaluated: 2014-05-26. Review status: criteria provided, single submitter. Criteria: EGL Classification Definitions 2015. Collection method: clinical testing. Allele origin: germline. Observed: 2 variant alleles, 1 heterozygote, 1 hemizygote. Not counted in ClinVar's aggregate classification.